The following is an entry in ClinVar:

ClinVar aggregate classification (germline): Uncertain significance (1 of 4 stars; one submission).

Conditions:
Peroxisome biogenesis disorder 9B. Also called: PEX7-Related Refsum Disease; PEROXISOME BIOGENESIS DISORDER, PEX7-RELATED, ATYPICAL; Refsum disease, adult, 2. Identifiers: Orphanet 773, MedGen C2749346, MONDO:0013945, OMIM 614879.

Submission:

Labcorp Genetics (formerly Invitae), Labcorp
Classification: Uncertain significance for Peroxisome biogenesis disorder 9B. Last evaluated: 2022-02-03. Review status: criteria provided, single submitter. Criteria: Invitae Variant Classification Sherloc (09022015). Collection method: clinical testing. Allele origin: germline.
Comment: In summary, the available evidence is currently insufficient to determine the role of this variant in disease. Therefore, it has been classified as a Variant of Uncertain Significance. Experimental studies and prediction algorithms are not available or were not evaluated, and the functional significance of this variant is currently unknown. ClinVar contains an entry for this variant (Variation ID: 1004762). This variant has not been reported in the literature in individuals affected with PEX7-related conditions. This variant is not present in population databases (gnomAD no frequency). This variant, c.346_348del, results in the deletion of 1 amino acid(s) of the PEX7 protein (p.Ser116del), but otherwise preserves the integrity of the reading frame.

NM_000288.4(PEX7):c.346_348del (p.Ser116del)

Gene: PEX7 (peroxisomal biogenesis factor 7; plus strand). Cytogenetic location: 6q23.3.
Variant type: Deletion.
Coding change: c.346_348del on transcript NM_000288.4 (MANE Select); coding-DNA positions 346 to 348, 3 bases deleted (AGT; older notation c.346_348delAGT).
Protein change: p.Ser116del; deletes serine 116.
Molecular consequence: inframe deletion.
Genome position (GRCh38, 1-based): chr6:136,845,621-136,845,623, AGT deleted; deleting any 3 consecutive bases within chr6:136,845,620-136,845,623 gives the same sequence; the c. name uses the placement nearest the transcript's 3' end. VCF-style (leftmost placement, unchanged base first): chr6-136845619-ATAG-A. GRCh37 (hg19) VCF-style: chr6-137166757-ATAG-A.
Other names: short protein forms S116del.
Identifiers: ClinVar variation 1004762 (VCV001004762.8), dbSNP rs1774581899, ClinGen allele CA2497184035.